The following is an entry in ClinVar:

NM_001195129.2(PRSS56):c.1749C>T (p.Pro583=)

Gene: PRSS56 (serine protease 56; plus strand). Cytogenetic location: 2q37.1.
Variant type: single nucleotide variant.
Coding change: c.1749C>T on transcript NM_001195129.2 (MANE Select); coding-DNA position 1749, C replaced by T.
Protein change: p.Pro583=; no amino-acid change (proline 583 retained).
Molecular consequence: synonymous variant.
Genome position (GRCh38, 1-based): chr2:232,525,443, C>T. VCF-style: chr2-232525443-C-T. GRCh37 (hg19) VCF-style: chr2-233390153-C-T.
Other names: c.1752C>T, p.Pro584= (NM_001369848.1).
Identifiers: ClinVar variation 3058371 (VCV003058371.3), dbSNP rs562713589, ClinGen allele CA2167817.

ClinVar aggregate classification (germline): Likely benign. Review status: criteria provided, single submitter (1 of 4 stars). 2 submissions from 2 submitters: Likely benign (1). 1 of the submissions does not count toward it. Last evaluated 2025-12-24.

Conditions:
PRSS56-related disorder. Also called: PRSS56-related condition.
Isolated microphthalmia 6. Also called: MICROPHTHALMIA, POSTERIOR NONSYNDROMIC. Identifiers: Orphanet 2542, MedGen C3150757, MONDO:0013293, OMIM 613517.

Allele frequency attached by ClinVar (database versions not stated): gnomAD 0.00027; 1000 Genomes Project 30x 0.00141; 1000 Genomes Project 0.00160; ExAC 0.00351.

Submissions (2):

Labcorp Genetics (formerly Invitae), Labcorp
Classification: Likely benign for Isolated microphthalmia 6. Last evaluated: 2025-12-24. Review status: criteria provided, single submitter. Criteria: Invitae Variant Classification Sherloc (09022015). Collection method: clinical testing. Allele origin: germline.

PreventionGenetics, part of Exact Sciences
Classification: Likely benign for PRSS56-related condition. Last evaluated: 2019-02-22. Review status: no assertion criteria provided. Collection method: clinical testing. Allele origin: germline. Not counted in ClinVar's aggregate classification.
Comment: This variant is classified as likely benign based on ACMG/AMP sequence variant interpretation guidelines (Richards et al. 2015 PMID: 25741868, with internal and published modifications).